The following is an entry in ClinVar:

ClinVar aggregate classification (germline): Uncertain significance (1 of 4 stars; one submission).

Allele frequency attached by ClinVar (database versions not stated): gnomAD exomes below 0.00001; TOPMed below 0.00001; gnomAD 0.00001.

Submission:

Labcorp Genetics (formerly Invitae), Labcorp
Classification: Uncertain significance. Last evaluated: 2022-03-26. Review status: criteria provided, single submitter. Criteria: Invitae Variant Classification Sherloc (09022015). Collection method: clinical testing. Allele origin: germline.
Comment: In summary, the available evidence is currently insufficient to determine the role of this variant in disease. Therefore, it has been classified as a Variant of Uncertain Significance. Algorithms developed to predict the effect of missense changes on protein structure and function are either unavailable or do not agree on the potential impact of this missense change (SIFT: "Deleterious"; PolyPhen-2: "Benign"; Align-GVGD: "Class C0"). This variant has not been reported in the literature in individuals affected with CEP152-related conditions. This variant is not present in population databases (gnomAD no frequency). This sequence change replaces methionine, which is neutral and non-polar, with threonine, which is neutral and polar, at codon 1074 of the CEP152 protein (p.Met1074Thr).

NM_001194998.2(CEP152):c.3221T>C (p.Met1074Thr)

Gene: CEP152 (centrosomal protein 152; minus strand). Cytogenetic location: 15q21.1.
Variant type: single nucleotide variant.
Coding change: c.3221T>C on transcript NM_001194998.2 (MANE Select); coding-DNA position 3221, T replaced by C.
Protein change: p.Met1074Thr; replaces methionine 1074 with threonine.
Molecular consequence: missense variant.
Genome position (GRCh38, 1-based): chr15:48,756,027, A>G on the plus strand (T>C on the coding strand, the complement: CEP152 is on the minus strand). VCF-style: chr15-48756027-A-G. GRCh37 (hg19) VCF-style: chr15-49048224-A-G.
Other names: c.3221T>C, p.Met1074Thr (NM_014985.4); short protein forms M1074T.
Identifiers: ClinVar variation 1950295 (VCV001950295.5), dbSNP rs1894233054, ClinGen allele CA392341853.